The following is an entry in ClinVar:

NM_018052.5(VAC14):c.601G>C (p.Val201Leu)

Gene: VAC14 (VAC14 component of PIKFYVE complex; minus strand). Cytogenetic location: 16q22.1.
Variant type: single nucleotide variant.
Coding change: c.601G>C on transcript NM_018052.5 (MANE Select); coding-DNA position 601, G replaced by C.
Protein change: p.Val201Leu; replaces valine 201 with leucine.
Molecular consequence: missense variant. On other transcripts: 5 prime UTR variant (1).
Genome position (GRCh38, 1-based): chr16:70,783,548, C>G on the plus strand (G>C on the coding strand, the complement: VAC14 is on the minus strand). VCF-style: chr16-70783548-C-G. GRCh37 (hg19) VCF-style: chr16-70817451-C-G.
Other names: c.-102G>C (NM_001351157.2); short protein forms V201L.
Identifiers: ClinVar variation 2818214 (VCV002818214.3), dbSNP rs778129469, ClinGen allele CA8148013.
Genomic context (GRCh38, chr16:70,783,548, plus strand): 5'-GTCCATCCAGGATCTCCGGCAGGTAATCCAGCAGGTTAATGTCTGGCACCGACTCCAGAA[C>G]CAGGATCTGACCAGGGGAAGGGAACAGGAGGGGAAGTCAGCTCCAGAACCCTGTTTCCTG-3'
Protein context (NP_060522.3, residues 191-211): ARQFIISWIL[Val201Leu]LESVPDINLL

ClinVar aggregate classification (germline): Uncertain significance (1 of 4 stars; one submission).

Allele frequency attached by ClinVar (database versions not stated): gnomAD 0.00001; ExAC 0.00002.
gnomAD v4.1: 15 of 1,613,546 alleles (0.00093%); no homozygotes.

Submission:

Labcorp Genetics (formerly Invitae), Labcorp
Classification: Uncertain significance. Last evaluated: 2023-02-16. Review status: criteria provided, single submitter. Criteria: Invitae Variant Classification Sherloc (09022015). Collection method: clinical testing. Allele origin: germline.
Comment: This variant has not been reported in the literature in individuals affected with VAC14-related conditions. This variant is present in population databases (rs778129469, gnomAD 0.02%). This sequence change replaces valine, which is neutral and non-polar, with leucine, which is neutral and non-polar, at codon 201 of the VAC14 protein (p.Val201Leu). Advanced modeling of protein sequence and biophysical properties (such as structural, functional, and spatial information, amino acid conservation, physicochemical variation, residue mobility, and thermodynamic stability) performed at Invitae indicates that this missense variant is not expected to disrupt VAC14 protein function. In summary, the available evidence is currently insufficient to determine the role of this variant in disease. Therefore, it has been classified as a Variant of Uncertain Significance.